The following is an entry in ClinVar:

ClinVar aggregate classification (germline): Pathogenic. Review status: reviewed by expert panel (3 of 4 stars). 16 submissions from 16 submitters: Pathogenic (1). 15 of the submissions do not count toward it. Last evaluated 2025-05-19.

Conditions:
RS1-related disorder. Also called: RS1-related condition.
Retinal dystrophy. Also called: Inherited retinal dystrophy. Identifiers: Orphanet 71862, MedGen C0854723, MeSH D058499, MONDO:0019118, HP:0000556.
Juvenile retinoschisis (RS1). Also called: X-Linked Juvenile Retinoschisis; X-linked retinoschisis. Identifiers: Orphanet 792, MedGen C3714753, MONDO:0010725, OMIM 312700.
Retinoschisis. Identifiers: MedGen C0152439, MONDO:0004579, HP:0030502.
Retinal disorder. Also called: Retinopathies; Retinal Diseases; Retinal disorders; Retinopathy. Identifiers: MedGen C0035309, MONDO:0005283, HP:0000488.

Allele frequency attached by ClinVar (database versions not stated): gnomAD exomes 0.00001; ExAC 0.00001.
gnomAD v4.1: 6 of 1,210,861 alleles (0.0005%); highest among the groups gnomAD compares: Non-Finnish European, 0.00067%; no homozygotes.

Submissions 1 to 12 of 16:

ClinGen X-linked Inherited Retinal Disease Variant Curation Expert Panel, ClinGen
Classification: Pathogenic for Juvenile retinoschisis. Last evaluated: 2025-05-19. Review status: reviewed by expert panel. Criteria: ClinGen X LinkedIRD ACMG Specifications RS1 V1.0.0. Collection method: curation. Allele origin: germline. Inheritance: X-linked inheritance.
Comment: The NM_000330.4(RS1):c.304C>T variant is a missense variant encoding the substitution of Arginine with Tryptophan at amino acid 102. This variant is present in gnomAD v.4.1.0 at a frequency of 0.000008256 among hemizygous individuals, with 3 variant alleles / 363368 total hemizygous alleles, which is between the ClinGen X-linked IRD VCEP PM2_Supporting and BS1 thresholds of <0.000002 and >0.00002 and fails to meet these criteria. The computational predictor REVEL gives a score of 0.958, which is above the ClinGen X-linked IRD VCEP threshold of >0.932 and predicts a damaging effect on RS1 function (PP3_strong). The computational splicing predictor SpliceAI gives a delta score of 0.01 Acceptor Gain, which is below the ClinGen X-linked IRD VCEP threshold of >0.2 and does not predict that the variant disrupts RS1 splicing. The variant has been reported to segregate with retinal dystrophy through 3 meioses in a family including two affected brothers and 5 other affected members (PP1_strong; PMID: 36695495, 9326935, 16901436, 24634885). At least one proband harboring this variant exhibits a phenotype including appearance of schisis and reduced visual acuity before age 13 years, which together are specific for X-linked retinoschisis (5 points, PMID: 24634885, PP4). This variant has been reported in at least 5 apparently unrelated probands meeting one of the PS4 requirements of a male diagnosed with X-linked retinoschisis (PMIDs: 33124204, 9326935, 22245991, 36695495, 28348004, 35456481, PS4). In summary, this variant is classified as pathogenic for X-linked retinoschisis based on the ClinGen X-linked Inherited Retinal Disease Expert Panel Specifications to the ACMG/AMP Variant Interpretation Guidelines for RS1 Version 1.0.0: PP3_strong, PP1_strong, PS4, and PP4 (date of approval 01/24/2025).

Genetics Laboratory, Great Ormond Street Hospital NHS Foundation Trust, North Thames Genomic Laboratory Hub
Classification: Pathogenic for Retinal disorders. Last evaluated: 2026-05-27. Review status: criteria provided, single submitter. Criteria: ACGS Best Practice Guidelines for Variant Classification in Rare Disease 2024 v1.2. Collection method: clinical testing. Allele origin: germline. Affected: yes. Not counted in ClinVar's aggregate classification.
Comment: PS4_moderate, PM2_moderate, PP3_supporting, PM5_moderate, PS3_supporting, PP1_moderate

PreventionGenetics, part of Exact Sciences
Classification: Pathogenic for RS1-related condition. Last evaluated: 2026-03-03. Review status: criteria provided, single submitter. Criteria: ACMG Guidelines, 2015. Collection method: clinical testing. Allele origin: germline. Not counted in ClinVar's aggregate classification.
Comment: The RS1 c.304C>T variant is predicted to result in the amino acid substitution p.Arg102Trp. This variant has been reported in individuals with X-linked retinoschisis and has been reported to segregate with disease in family members (see, for example: Sauer et al. 1997. PubMed ID: 9326935; Kondo et al. 2019. PubMed ID: 30652005; Tondelli et al. 2022. PubMed ID: 36695495). Experimental studies indicate this variant leads to protein misfolding and mislocalization (Wang et al. 2006. PubMed ID: 16361673; Vijayasarathy et al. 2010. PubMed ID: 20809529). This variant is present in 0.0072% of alleles in individuals of East Asian descent in gnomAD. This variant is interpreted as pathogenic.

Labcorp Genetics (formerly Invitae), Labcorp
Classification: Pathogenic. Last evaluated: 2026-01-23. Review status: criteria provided, single submitter. Criteria: Invitae Variant Classification Sherloc (09022015). Collection method: clinical testing. Allele origin: germline. Not counted in ClinVar's aggregate classification.
Comment: This sequence change replaces arginine, which is basic and polar, with tryptophan, which is neutral and slightly polar, at codon 102 of the RS1 protein (p.Arg102Trp). This variant is present in population databases (rs61752067, gnomAD 0.008%). This missense change has been observed in individuals with X-linked juvenile retinoschisis (PMID: 9326935, 9618178, 16900931, 24634885, 30652005). ClinVar contains an entry for this variant (Variation ID: 9887). Invitae Evidence Modeling of protein sequence and biophysical properties (such as structural, functional, and spatial information, amino acid conservation, physicochemical variation, residue mobility, and thermodynamic stability) indicates that this missense variant is expected to disrupt RS1 protein function with a positive predictive value of 95%. Experimental studies have shown that this missense change affects RS1 function (PMID: 12417531). This variant disrupts the p.Arg102 amino acid residue in RS1. Other variant(s) that disrupt this residue have been determined to be pathogenic (PMID: 9618178, 17615541, 30652005). This suggests that this residue is clinically significant, and that variants that disrupt this residue are likely to be disease-causing. For these reasons, this variant has been classified as Pathogenic.

Natera, Inc.
Classification: Pathogenic for X-linked retinoschisis. Last evaluated: 2025-04-06. Review status: criteria provided, single submitter. Criteria: Natera Variant Classification Schema (03/2026). Collection method: clinical testing. Allele origin: germline. Not counted in ClinVar's aggregate classification.
Comment: The c.304C>T variant in RS1 is a missense variant predicted to cause substitution of arginine to tryptophan at amino acid 102. This variant is rare in the general population with a frequency below the threshold expected for the associated phenotype(s). This variant has been observed in affected individual(s) with monoallelic occurrence (heterozygous/hemizygous) (PMID: 22245991, 20061330, 24634885). Additionally, this variant has been observed to segregate in affected family members (PMID: 16900931). A different variant at the same position has been determined to be Pathogenic or Likely Pathogenic. Computational prediction algorithms indicate this variant is likely to affect gene or protein function. Given the available evidence, this variant is classified as Pathogenic.

North West Genomic Laboratory Hub, Manchester University NHS Foundation Trust
Classification: Pathogenic for Juvenile retinoschisis. Last evaluated: 2025-03-18. Review status: criteria provided, single submitter. Criteria: ACGS Best Practice Guidelines for Variant Classification in Rare Disease 2024. Collection method: clinical testing. Allele origin: germline. Affected: yes. Not counted in ClinVar's aggregate classification.
Comment: PP3_Supp PP1_Str PS3_Supp PS4_Str PP4_Supp

Blueprint Genetics
Classification: Pathogenic for RS1-related disorders. Last evaluated: 2024-10-29. Review status: criteria provided, single submitter. Criteria: ACMG Guidelines, 2015. Collection method: clinical testing. Allele origin: germline. Affected: yes. Observed: 5 variant alleles. Not counted in ClinVar's aggregate classification.

GeneDx
Classification: Pathogenic. Last evaluated: 2024-10-14. Review status: criteria provided, single submitter. Criteria: GeneDx Variant Classification Process June 2021. Collection method: clinical testing. Allele origin: germline. Affected: yes. Not counted in ClinVar's aggregate classification.
Comment: In silico analysis supports that this missense variant has a deleterious effect on protein structure/function; Not observed at a significant frequency in large population cohorts (gnomAD); This variant is associated with the following publications: (PMID: 26043410, 34624300, 32531858, 24634885, 35456481, 31725702, 35456422, 16361673, 9326935, 20809529, 25894957, 16900931, 30608181, 30652005, 31141763, 22581970, 33090715, 34822951, 36377647, 33124204, 36729443, 36284460, 34645606, 34906470, 12417531, 9618178)

Dubai Health Genomic Medicine Center, Dubai Health
Classification: Pathogenic for Retinoschisis. Last evaluated: 2024-10-04. Review status: criteria provided, single submitter. Criteria: ACMG Guidelines, 2015. Collection method: research. Allele origin: germline. Affected: yes. Not counted in ClinVar's aggregate classification.
Comment: PS3,PM3,PP1,PM2,PP3,PM5

Institute of Human Genetics, Univ. Regensburg, Univ. Regensburg
Classification: Pathogenic for Retinal dystrophy. Last evaluated: 2022-01-01. Review status: criteria provided, single submitter. Criteria: ACMG Guidelines, 2015. Collection method: clinical testing. Allele origin: germline. Affected: yes. Not counted in ClinVar's aggregate classification.

Ocular Genomics Institute, Massachusetts Eye and Ear
Classification: Likely pathogenic for Juvenile retinoschisis. Last evaluated: 2021-04-08. Review status: criteria provided, single submitter. Criteria: ACMG Guidelines, 2015. Collection method: research. Allele origin: germline. Affected: yes. Not counted in ClinVar's aggregate classification.
Comment: Through a review of available evidence we were able to apply the following criteria: PM2, PS3. Based on this evidence we have classified this variant as Likely Pathogenic.

Institute of Medical Molecular Genetics, University of Zurich
Classification: Likely pathogenic for Juvenile retinoschisis. Last evaluated: 2021-01-30. Review status: criteria provided, single submitter. Criteria: ACMG Guidelines, 2015. Collection method: clinical testing. Allele origin: unknown. Affected: yes. Not counted in ClinVar's aggregate classification.

NM_000330.4(RS1):c.304C>T (p.Arg102Trp)

Genes: CDKL5 (cyclin dependent kinase like 5; plus strand), RS1 (retinoschisin 1; minus strand). Cytogenetic location: Xp22.13.
Variant type: single nucleotide variant.
Coding change: c.304C>T on transcript NM_000330.4 (MANE Select); coding-DNA position 304, C replaced by T.
Protein change: p.Arg102Trp; replaces arginine 102 with tryptophan.
Molecular consequence: missense variant. On other transcripts: intron variant (2).
Genome position (GRCh38, 1-based): chrX:18,647,213, G>A on the plus strand (C>T on the coding strand, the complement: RS1 is on the minus strand). VCF-style: chrX-18647213-G-A. GRCh37 (hg19) VCF-style: chrX-18665333-G-A.
Other names: NM_000330.4(RS1):c.304C>T; c.2797+1123G>A (NM_003159.3, NM_001037343.2); short protein forms R102W.
Identifiers: ClinVar variation 9887 (VCV000009887.22), dbSNP rs61752067, ClinGen allele CA226667.